The following is an entry in ClinVar:

NM_001144967.3(NEDD4L):c.34C>T (p.Leu12Phe)

Genes: NEDD4L (NEDD4 like E3 ubiquitin protein ligase; plus strand), LOC130062568 (ATAC-STARR-seq lymphoblastoid silent region 9483; plus strand). Cytogenetic location: 18q21.31.
Variant type: single nucleotide variant.
Coding change: c.34C>T on transcript NM_001144967.3 (MANE Select); coding-DNA position 34, C replaced by T.
Protein change: p.Leu12Phe; replaces leucine 12 with phenylalanine.
Molecular consequence: missense variant.
Genome position (GRCh38, 1-based): chr18:58,044,694, C>T. VCF-style: chr18-58044694-C-T. GRCh37 (hg19) VCF-style: chr18-55711926-C-T.
Other names: c.34C>T, p.Leu12Phe (NM_001243960.2, NM_015277.6); short protein forms L12F.
Identifiers: ClinVar variation 3635052 (VCV003635052.2).
Genomic context (GRCh38, chr18:58,044,694, plus strand): 5'-TCAGACCCCGCGCGGGGCGCCGGCTCCATGGCGACCGGGCTCGGGGAGCCGGTCTATGGA[C>T]TTTCCGAAGACGAGGTGAGTGGCACCCCCTTCCTGCTCGGGACTCCCCGGGGAGTTCCTA-3'
Protein context (NP_001138439.1, residues 2-22): ATGLGEPVYG[Leu12Phe]SEDEGESRIL

ClinVar aggregate classification (germline): Uncertain significance (1 of 4 stars; one submission).

Submission:

Labcorp Genetics (formerly Invitae), Labcorp
Classification: Uncertain significance. Last evaluated: 2025-02-03. Review status: criteria provided, single submitter. Criteria: Invitae Variant Classification Sherloc (09022015). Collection method: clinical testing. Allele origin: germline.
Comment: This sequence change replaces leucine, which is neutral and non-polar, with phenylalanine, which is neutral and non-polar, at codon 12 of the NEDD4L protein (p.Leu12Phe). This variant is not present in population databases (gnomAD no frequency). This variant has not been reported in the literature in individuals affected with NEDD4L-related conditions. An algorithm developed to predict the effect of missense changes on protein structure and function (PolyPhen-2) suggests that this variant is likely to be tolerated. In summary, the available evidence is currently insufficient to determine the role of this variant in disease. Therefore, it has been classified as a Variant of Uncertain Significance.